The following is an entry in ClinVar:

NM_016030.6(TRAPPC12):c.473C>T (p.Pro158Leu)

Gene: TRAPPC12 (trafficking protein particle complex subunit 12; plus strand). Cytogenetic location: 2p25.3.
Variant type: single nucleotide variant.
Coding change: c.473C>T on transcript NM_016030.6 (MANE Select); coding-DNA position 473, C replaced by T.
Protein change: p.Pro158Leu; replaces proline 158 with leucine.
Molecular consequence: missense variant.
Genome position (GRCh38, 1-based): chr2:3,388,096, C>T. VCF-style: chr2-3388096-C-T. GRCh37 (hg19) VCF-style: chr2-3391867-C-T.
Other names: c.473C>T, p.Pro158Leu (NM_001321102.2); short protein forms P158L.
Identifiers: ClinVar variation 1690675 (VCV001690675.2), dbSNP rs1660591036, ClinGen allele CA345739695.
Genomic context (GRCh38, chr2:3,388,096, plus strand): 5'-AGGTCCCAGGCAGCGAAGCCGCGCGCCCGGAGCAGGAGCCTCCCGTTGCGGAGCCGGTCC[C>T]GGTGTGCACCATCTTCAGCCAGCGCGCGCCCCCAGCCTCCGGGGACGGCTTCGAGCCGCA-3'
Protein context (NP_057114.5, residues 148-168): EQEPPVAEPV[Pro158Leu]VCTIFSQRAP

ClinVar aggregate classification (germline): Uncertain significance (1 of 4 stars; one submission).

Allele frequency attached by ClinVar (database versions not stated): TOPMed below 0.00001.

Submission:

Laboratorio de Genetica e Diagnostico Molecular, Hospital Israelita Albert Einstein
Classification: Uncertain significance. Last evaluated: 2019-08-21. Review status: criteria provided, single submitter. Criteria: ACMG Guidelines, 2015. Collection method: clinical testing. Allele origin: germline. Affected: yes.
Comment: ACMG classification criteria: PM2, PP3